The following is an entry in ClinVar:

ClinVar aggregate classification (germline): Likely pathogenic. Review status: criteria provided, multiple submitters, no conflicts (2 of 4 stars). 2 submissions from 2 submitters: Likely pathogenic (2). Last evaluated 2025-08-11.

Conditions:
Gaucher disease type I (GD1). Also called: GD 1; ACID BETA-GLUCOSIDASE DEFICIENCY; Type 1 Gaucher Disease; GAUCHER DISEASE, NONCEREBRAL JUVENILE; GBA DEFICIENCY; GD I. Identifiers: Orphanet 355, Orphanet 77259, MedGen C1961835, MONDO:0009265, OMIM 230800.
Gaucher disease. Also called: Acute cerebral Gaucher disease; Cerebroside lipidosis syndrome; Gaucher splenomegaly; Sphingolipidosis 1; Glucocerebrosidosis; Glucosylceramidase deficiency. Identifiers: Orphanet 355, MedGen C0017205, MONDO:0018150.

Submissions (2):

Natera, Inc.
Classification: Likely pathogenic for Gaucher disease. Last evaluated: 2025-08-11. Review status: criteria provided, single submitter. Criteria: Natera Variant Classification Schema (03/2026). Collection method: clinical testing. Allele origin: germline.
Comment: The c.914C>T variant in GBA1 is a missense variant predicted to cause substitution of proline to leucine at amino acid 305. This variant is rare in the general population with a frequency below the threshold expected for the associated phenotype(s). This variant has been observed in one or more individuals affected with the associated recessive disease, as either homozygous or compound heterozygous with a second variant (PMID: 11783951, 23508695). Functional studies show that this variant may disrupt protein function (PMID: 14757438). A different variant at the same position has been determined to be Pathogenic or Likely Pathogenic. Computational prediction algorithms indicate this variant is likely to affect gene or protein function. Given the available evidence, this variant is classified as Likely Pathogenic.

NxGen MDx
Classification: Likely pathogenic for Gaucher disease type I. Last evaluated: 2020-03-10. Review status: criteria provided, single submitter. Criteria: ACMG Guidelines, 2015. Collection method: clinical testing. Allele origin: unknown.
Comment: This missense variant c.914C>T( p.Pro305Leu) is in a hotspot (PM1) and is not observed in GnomAD exomes or genomes datasets (PM2). Two other variants at this locus (p.Pro305Arg and p.Pro305Ala) are interpreted as pathogenic/likely pathogenic per Uniprot and using ACMG guidelines (PM5). Computational models indicate pathogenic predictions (PP3). A second report of this variant was made by Tantawy et al. PMID 23508695 in conjunction with Asn370Ser. We interpret c.914C>T to be likely pathogenic.

Literature cited by the submitters: PubMed 11783951 (cited by Natera, Inc. and NxGen MDx); PubMed 23508695 (cited by Natera, Inc. and NxGen MDx); PubMed 14757438 (cited by Natera, Inc.).

NM_000157.4(GBA1):c.914C>T (p.Pro305Leu)

Genes: GBA1 (glucosylceramidase beta 1; minus strand), LOC106627981 (GBA recombination region; plus strand). Cytogenetic location: 1q22.
Variant type: single nucleotide variant.
Coding change: c.914C>T on transcript NM_000157.4 (MANE Select); coding-DNA position 914, C replaced by T.
Protein change: p.Pro305Leu; replaces proline 305 with leucine.
Molecular consequence: missense variant.
Genome position (GRCh38, 1-based): chr1:155,237,426, G>A on the plus strand (C>T on the coding strand, the complement: GBA1 is on the minus strand). VCF-style: chr1-155237426-G-A. GRCh37 (hg19) VCF-style: chr1-155207217-G-A.
Other names: c.914C>T, p.Pro305Leu (NM_001005742.3, NM_001005741.3); c.653C>T, p.Pro218Leu (NM_001171811.2); c.767C>T, p.Pro256Leu (NM_001171812.2); c.914C>T (NM_000157.3); short protein forms P218L, P256L, P305L.
Identifiers: ClinVar variation 1065557 (VCV001065557.3), dbSNP rs79215220, ClinGen allele CA342719286.